The following is an entry in ClinVar:

NM_000152.5(GAA):c.2334_2335dup (p.Pro779fs)

Gene: GAA (alpha glucosidase; plus strand). Cytogenetic location: 17q25.3.
Variant type: Duplication.
Coding change: c.2334_2335dup on transcript NM_000152.5 (MANE Select); coding-DNA positions 2334 to 2335, 2 bases duplicated (GC; older notation c.2334_2335dupGC).
Protein change: p.Pro779fs; shifts the reading frame from proline 779.
Molecular consequence: frameshift variant.
Genome position (GRCh38, 1-based): chr17:80,117,602-80,117,603, GC duplicated. VCF-style (leftmost placement, unchanged base first): chr17-80117601-T-TGC. GRCh37 (hg19) VCF-style: chr17-78091400-T-TGC.
Other names: c.2334_2335dup, p.Pro779fs (NM_001079803.3, NM_001079804.3, NM_001406741.1 and 1 more transcripts); short protein forms P779fs.
Identifiers: ClinVar variation 4876639 (VCV004876639.1).

ClinVar aggregate classification (germline): Likely pathogenic (1 of 4 stars; one submission).

Conditions:
Glycogen storage disease, type II (IOPD). Also called: Pompe Disease; CARDIOMEGALIA GLYCOGENICA DIFFUSA; GLYCOGENOSIS, GENERALIZED, CARDIAC FORM; GSD II; POMPE DISEASE, INFANTILE-ONSET; GLYCOGEN STORAGE DISEASE II, INFANTILE-ONSET. Identifiers: Orphanet 365, MedGen C0017921, MONDO:0009290, OMIM 232300.

Submission:

Genomenon, Inc
Classification: Likely pathogenic for Glycogen storage disease, type II. Last evaluated: 2026-07-01. Review status: criteria provided, single submitter. Criteria: Genomenon Sequence Variant Interpretation Standards - Updated. Collection method: curation. Allele origin: germline. Affected: no.
Comment: GAA p.Pro779ArgfsTer3 (c.2334_2335dup) is a frameshift variant that is predicted to introduce a premature termination codon and result in a truncated or absent protein product. This variant has been reported in the published literature (PMID:34530085;30155607;33560568). It is absent or not present at a significant frequency in gnomAD. In conclusion, we classify GAA p.Pro779ArgfsTer3 (c.2334_2335dup) as a likely pathogenic variant.

Literature cited by the submitters: PubMed 34530085; PubMed 30155607; PubMed 33560568.